The following is an entry in ClinVar:

ClinVar aggregate classification (germline): Uncertain significance (0 of 4 stars; one submission).

Conditions:
ADCY3-related disorder. Also called: ADCY3-related condition.

gnomAD v4.1: 1 of 1,613,882 alleles (0.000062%); highest among the groups gnomAD compares: Non-Finnish European, 0.000085%; no homozygotes.

Submission:

PreventionGenetics, part of Exact Sciences
Classification: Uncertain significance for ADCY3-related condition. Last evaluated: 2023-12-05. Review status: no assertion criteria provided. Collection method: clinical testing. Allele origin: germline.
Comment: The ADCY3 c.2895C>G variant is predicted to result in the amino acid substitution p.Asp965Glu. To our knowledge, this variant has not been reported in the literature. This variant is reported in 0.0065% of alleles in individuals of European (Non-Finnish) descent in gnomAD. At this time, the clinical significance of this variant is uncertain due to the absence of conclusive functional and genetic evidence.

NM_004036.5(ADCY3):c.2892C>G (p.Asp964Glu)

Gene: ADCY3 (adenylate cyclase 3; minus strand). Cytogenetic location: 2p23.3.
Variant type: single nucleotide variant.
Coding change: c.2892C>G on transcript NM_004036.5 (MANE Select); coding-DNA position 2892, C replaced by G.
Protein change: p.Asp964Glu; replaces aspartic acid 964 with glutamic acid.
Molecular consequence: missense variant.
Genome position (GRCh38, 1-based): chr2:24,822,622, G>C on the plus strand (C>G on the coding strand, the complement: ADCY3 is on the minus strand). VCF-style: chr2-24822622-G-C. GRCh37 (hg19) VCF-style: chr2-25045491-G-C.
Other names: c.2895C>G, p.Asp965Glu (NM_001320613.2); c.2958C>G, p.Asp986Glu (NM_001377128.1); c.2754C>G, p.Asp918Glu (NM_001377129.1); c.2340C>G, p.Asp780Glu (NM_001377130.1); c.2169C>G, p.Asp723Glu (NM_001377131.1); c.2892C>G, p.Asp964Glu (NM_001377132.1); short protein forms D723E, D780E, D918E, D964E, D965E, D986E.
Identifiers: ClinVar variation 3348002 (VCV003348002.1).